The following is an entry in ClinVar:

NM_000257.4(MYH7):c.2172C>A (p.Ile724=)

Gene: MYH7 (myosin heavy chain 7; minus strand). Cytogenetic location: 14q11.2.
Variant type: single nucleotide variant.
Coding change: c.2172C>A on transcript NM_000257.4 (MANE Select); coding-DNA position 2172, C replaced by A.
Protein change: p.Ile724=; no amino-acid change (isoleucine 724 retained).
Molecular consequence: synonymous variant.
Genome position (GRCh38, 1-based): chr14:23,425,809, G>T on the plus strand (C>A on the coding strand, the complement: MYH7 is on the minus strand). VCF-style: chr14-23425809-G-T. GRCh37 (hg19) VCF-style: chr14-23895018-G-T.
Identifiers: ClinVar variation 1298577 (VCV001298577.43), dbSNP rs752943580, ClinGen allele CA031699.

ClinVar aggregate classification (germline): Likely benign. Review status: criteria provided, multiple submitters, no conflicts (2 of 4 stars). 5 submissions from 5 submitters: Likely benign (5). Last evaluated 2025-10-11.

Conditions:
Hypertrophic cardiomyopathy. Also called: HYPERTROPHIC MYOCARDIOPATHY. Identifiers: Orphanet 217569, MedGen C0007194, MeSH D002312, MONDO:0005045, HP:0001639.
Cardiovascular phenotype. Identifiers: MedGen CN230736.
Cardiomyopathy (CMYO). Also called: Cardiomyopathies. Identifiers: Orphanet 167848, MedGen C0878544, MONDO:0004994, HP:0001638. Inheritance: Various modes of inheritance.

Allele frequency attached by ClinVar (database versions not stated): gnomAD exomes 0.00001 and below 0.00001; ExAC 0.00001; gnomAD 0.00001.
gnomAD v4.1: 7 of 1,613,852 alleles (0.00043%); highest among the groups gnomAD compares: Non-Finnish European, 0.00059%; no homozygotes.

Submissions (5):

Ambry Genetics
Classification: Likely benign for Cardiovascular phenotype. Last evaluated: 2025-10-11. Review status: criteria provided, single submitter. Criteria: Ambry Variant Classification Scheme 2023. Collection method: clinical testing. Allele origin: germline.

Labcorp Genetics (formerly Invitae), Labcorp
Classification: Likely benign for Hypertrophic cardiomyopathy. Last evaluated: 2024-11-03. Review status: criteria provided, single submitter. Criteria: Invitae Variant Classification Sherloc (09022015). Collection method: clinical testing. Allele origin: germline.

All of Us Research Program, National Institutes of Health
Classification: Likely benign for Cardiomyopathy. Last evaluated: 2024-02-05. Review status: criteria provided, single submitter. Criteria: ACMG Guidelines, 2015. Collection method: clinical testing. Allele origin: germline. Inheritance: Autosomal dominant inheritance. Observed: 4 variant alleles, 4 heterozygotes.
Comment: This study involves interpretation of variants in research participants for the purpose of population health screening. Participant phenotype was not available at the time of variant classification. Additional details can be found in publication PMID: 35346344, PMCID: PMC8962531

Color Diagnostics, LLC DBA Color Health
Classification: Likely benign for Cardiomyopathy. Last evaluated: 2023-06-07. Review status: criteria provided, single submitter. Criteria: ACMG Guidelines, 2015. Collection method: clinical testing. Allele origin: germline.

CeGaT Center for Human Genetics Tuebingen
Classification: Likely benign. Last evaluated: 2021-09-01. Review status: criteria provided, single submitter. Criteria: CeGaT Center For Human Genetics Tuebingen Variant Classification Criteria Version 2. Collection method: clinical testing. Allele origin: germline. Affected: yes. Observed: 1 variant allele.